The following is an entry in ClinVar:

ClinVar aggregate classification (germline): Uncertain significance. Review status: criteria provided, multiple submitters, no conflicts (2 of 4 stars). 2 submissions from 2 submitters: Uncertain significance (2). Last evaluated 2026-03-11.

Conditions:
Inborn genetic diseases. Identifiers: MedGen C0950123, MeSH D030342.

Allele frequency attached by ClinVar (database versions not stated): gnomAD 0.00001; gnomAD exomes 0.00001; TOPMed 0.00002; ESP Exome Variant Server 0.00008.
gnomAD v4.1: 16 of 1,614,048 alleles (0.00099%); highest among the groups gnomAD compares: Non-Finnish European, 0.0014%; no homozygotes.

Submissions (2):

Ambry Genetics
Classification: Uncertain significance for Inborn genetic diseases. Last evaluated: 2026-03-11. Review status: criteria provided, single submitter. Criteria: Ambry Variant Classification Scheme 2023. Collection method: clinical testing. Allele origin: germline.

Labcorp Genetics (formerly Invitae), Labcorp
Classification: Uncertain significance. Last evaluated: 2024-02-05. Review status: criteria provided, single submitter. Criteria: Invitae Variant Classification Sherloc (09022015). Collection method: clinical testing. Allele origin: germline.
Comment: This sequence change replaces glutamic acid, which is acidic and polar, with lysine, which is basic and polar, at codon 617 of the SIM1 protein (p.Glu617Lys). This variant is not present in population databases (gnomAD no frequency). This variant has not been reported in the literature in individuals affected with SIM1-related conditions. An algorithm developed to predict the effect of missense changes on protein structure and function (PolyPhen-2) suggests that this variant is likely to be tolerated. Algorithms developed to predict the effect of sequence changes on RNA splicing suggest that this variant may create or strengthen a splice site. In summary, the available evidence is currently insufficient to determine the role of this variant in disease. Therefore, it has been classified as a Variant of Uncertain Significance.

NM_005068.3(SIM1):c.1849G>A (p.Glu617Lys)

Gene: SIM1 (SIM bHLH transcription factor 1; minus strand). Cytogenetic location: 6q16.3.
Variant type: single nucleotide variant.
Coding change: c.1849G>A on transcript NM_005068.3 (MANE Select); coding-DNA position 1849, G replaced by A.
Protein change: p.Glu617Lys; replaces glutamic acid 617 with lysine.
Molecular consequence: missense variant.
Genome position (GRCh38, 1-based): chr6:100,390,813, C>T on the plus strand (G>A on the coding strand, the complement: SIM1 is on the minus strand). VCF-style: chr6-100390813-C-T. GRCh37 (hg19) VCF-style: chr6-100838689-C-T.
Other names: c.1849G>A, p.Glu617Lys (NM_001374769.1); c.1849G>A (NM_005068.2); short protein forms E617K.
Identifiers: ClinVar variation 2727829 (VCV002727829.4), dbSNP rs370920653, ClinGen allele CA144530209.